The following is an entry in ClinVar:

ClinVar aggregate classification (germline): Benign. Review status: criteria provided, multiple submitters, no conflicts (2 of 4 stars). 3 submissions from 3 submitters: Benign (3). Last evaluated 2024-09-27.

Conditions:
Pseudohypoaldosteronism type 2B (PHA2B). Also called: Pseudohypoaldosteronism Type IIB. Identifiers: Orphanet 757, Orphanet 88939, MedGen C1840390, MONDO:0013777, OMIM 614491.

Allele frequency attached by ClinVar (database versions not stated): gnomAD exomes 0.00265; ExAC 0.00317; 1000 Genomes Project 30x 0.00874; 1000 Genomes Project 0.00919; gnomAD 0.01076 and 0.01155; TOPMed 0.01162; ESP Exome Variant Server 0.01246.
gnomAD v4.1: 3,119 of 1,614,184 alleles (0.19%); highest among the groups gnomAD compares: African/African-American, 3.6%; 78 homozygotes.

Submissions (3):

Mayo Clinic Laboratories, Mayo Clinic
Classification: Benign. Last evaluated: 2024-09-27. Review status: criteria provided, single submitter. Criteria: ACMG Guidelines, 2015. Collection method: clinical testing. Allele origin: germline. Observed: 2 variant alleles.
Comment: BS1, BS2

Illumina Laboratory Services, Illumina
Classification: Benign for Pseudohypoaldosteronism type 2B. Last evaluated: 2018-01-12. Review status: criteria provided, single submitter. Criteria: ICSL Variant Classification Criteria 13 December 2019. Collection method: clinical testing. Allele origin: germline.
Comment: This variant was observed in the ICSL laboratory as part of a predisposition screen in an ostensibly healthy population. It had not been previously curated by ICSL or reported in the Human Gene Mutation Database (HGMD: prior to June 1st, 2018), and was therefore a candidate for classification through an automated scoring system. Utilizing variant allele frequency, disease prevalence and penetrance estimates, and inheritance mode, an automated score was calculated to assess if this variant is too frequent to cause the disease. Based on the score and internal cut-off values, a variant classified as benign is not then subjected to further curation. The score for this variant resulted in a classification of benign for this disease.

Breakthrough Genomics
Classification: Benign. Review status: criteria provided, single submitter. Criteria: ACMG Guidelines, 2015. Collection method: not provided. Allele origin: germline. Inheritance: Autosomal dominant inheritance. Affected: yes.

NM_032387.5(WNK4):c.*6G>A

Gene: WNK4 (WNK lysine deficient protein kinase 4; plus strand). Cytogenetic location: 17q21.2.
Variant type: single nucleotide variant.
Coding change: c.*6G>A on transcript NM_032387.5 (MANE Select); 6 bases downstream of the stop codon, G replaced by A.
Molecular consequence: 3 prime UTR variant.
Genome position (GRCh38, 1-based): chr17:42,796,694, G>A. VCF-style: chr17-42796694-G-A. GRCh37 (hg19) VCF-style: chr17-40948712-G-A.
Other names: c.*6G>A (NM_001321299.2).
Identifiers: ClinVar variation 323356 (VCV000323356.7), dbSNP rs61755635, ClinGen allele CA8584699.
Genomic context (GRCh38, chr17:42,796,694, plus strand): 5'-CGCCTTCCTCCCACCTTGGAGGTTTCTTCATCACTTTTTCTTTTCCCTCCAGTGAATTCA[G>A]AACAGAAGCCATGTATCTCCCCCACACCAGGGCCCACCATGGAGCTTGTGTTCTCAGAAT-3'